The following is an entry in ClinVar:

ClinVar aggregate classification (germline): Uncertain significance (1 of 4 stars; one submission).

Allele frequency attached by ClinVar (database versions not stated): gnomAD exomes below 0.00001.
gnomAD v4.1: 2 of 1,604,660 alleles (0.00012%); highest among the groups gnomAD compares: East Asian, 0.0045%; no homozygotes.

Submission:

GeneDx
Classification: Uncertain significance. Last evaluated: 2017-07-28. Review status: criteria provided, single submitter. Criteria: GeneDx Variant Classification (06012015). Collection method: clinical testing. Allele origin: germline. Affected: yes.
Comment: The E99G variant in the NOG gene has not been reported previously as a pathogenic variant, nor as a benign variant, to our knowledge. This variant is not observed in large population cohorts (Lek et al., 2016; 1000 Genomes Consortium et al., 2015; Exome Variant Server). The E99G variant is a non-conservative amino acid substitution, which is likely to impact secondary protein structure as these residues differ in polarity, charge, size and/or other properties. This substitution occurs at a position that is conserved in mammals. In silico analysis is inconsistent in its predictions as to whether or not the variant is damaging to the protein structure/function. We interpret E99G as a variant of uncertain significance.

NM_005450.6(NOG):c.296A>G (p.Glu99Gly)

Gene: NOG (noggin; plus strand). Cytogenetic location: 17q22.
Variant type: single nucleotide variant.
Coding change: c.296A>G on transcript NM_005450.6 (MANE Select); coding-DNA position 296, A replaced by G.
Protein change: p.Glu99Gly; replaces glutamic acid 99 with glycine.
Molecular consequence: missense variant.
Genome position (GRCh38, 1-based): chr17:56,594,519, A>G. VCF-style: chr17-56594519-A-G. GRCh37 (hg19) VCF-style: chr17-54671880-A-G.
Other names: short protein forms E99G.
Identifiers: ClinVar variation 450688 (VCV000450688.2), dbSNP rs1555572827, ClinGen allele CA399965509.